The following is an entry in ClinVar:

NM_001005242.3(PKP2):c.159C>A (p.Ser53Arg)

Gene: PKP2 (plakophilin 2; minus strand). Cytogenetic location: 12p11.21.
Variant type: single nucleotide variant.
Coding change: c.159C>A on transcript NM_001005242.3 (MANE Select); coding-DNA position 159, C replaced by A.
Protein change: p.Ser53Arg; replaces serine 53 with arginine.
Molecular consequence: missense variant.
Genome position (GRCh38, 1-based): chr12:32,896,573, G>T on the plus strand (C>A on the coding strand, the complement: PKP2 is on the minus strand). VCF-style: chr12-32896573-G-T. GRCh37 (hg19) VCF-style: chr12-33049507-G-T.
Other names: c.159C>A, p.Ser53Arg (NM_004572.4); short protein forms S53R.
Identifiers: ClinVar variation 229144 (VCV000229144.15), dbSNP rs770694213, ClinGen allele CA029645.

ClinVar aggregate classification (germline): Uncertain significance. Review status: criteria provided, multiple submitters, no conflicts (2 of 4 stars). 3 submissions from 3 submitters: Uncertain significance (3). Last evaluated 2020-10-07.

Conditions:
Cardiomyopathy (CMYO). Also called: Cardiomyopathies. Identifiers: Orphanet 167848, MedGen C0878544, MONDO:0004994, HP:0001638. Inheritance: Various modes of inheritance.
Arrhythmogenic right ventricular dysplasia 9 (ARVD9). Also called: Arrhythmogenic Right Ventricular Dysplasia/Cardiomyopathy 9; ARRHYTHMOGENIC RIGHT VENTRICULAR DYSPLASIA, FAMILIAL, 9. Identifiers: MedGen C1836906, MONDO:0012180, OMIM 609040.

Allele frequency attached by ClinVar (database versions not stated): gnomAD exomes below 0.00001; ExAC 0.00001.
gnomAD v4.1: 1 of 1,590,880 alleles (0.000063%); highest among the groups gnomAD compares: Non-Finnish European, 0.000085%; no homozygotes.

Submissions (3):

Labcorp Genetics (formerly Invitae), Labcorp
Classification: Uncertain significance for Arrhythmogenic right ventricular dysplasia 9. Last evaluated: 2020-10-07. Review status: criteria provided, single submitter. Criteria: Invitae Variant Classification Sherloc (09022015). Collection method: clinical testing. Allele origin: germline.
Comment: This sequence change replaces serine with arginine at codon 53 of the PKP2 protein (p.Ser53Arg). The serine residue is moderately conserved and there is a moderate physicochemical difference between serine and arginine. The frequency data for this variant in the population databases is considered unreliable, as metrics indicate poor data quality at this position in the ExAC database. This variant has not been reported in the literature in individuals with PKP2-related conditions. ClinVar contains an entry for this variant (Variation ID: 229144). Algorithms developed to predict the effect of missense changes on protein structure and function are either unavailable or do not agree on the potential impact of this missense change (SIFT: "Tolerated"; PolyPhen-2: "Possibly Damaging"; Align-GVGD: "Class C0"). In summary, the available evidence is currently insufficient to determine the role of this variant in disease. Therefore, it has been classified as a Variant of Uncertain Significance.

CHEO Genetics Diagnostic Laboratory, Children's Hospital of Eastern Ontario
Classification: Uncertain significance for Cardiomyopathy. Last evaluated: 2015-09-29. Review status: criteria provided, single submitter. Criteria: ACMG Guidelines, 2015. Collection method: clinical testing. Allele origin: germline. Study: Canadian Open Genetics Repository.

Laboratory for Molecular Medicine, Mass General Brigham Personalized Medicine
Classification: Uncertain significance. Last evaluated: 2014-12-30. Review status: criteria provided, single submitter. Criteria: LMM Criteria. Collection method: clinical testing. Allele origin: germline. Observed: 1 variant allele.
Comment: The p.Ser53Arg variant in PKP2 has not been previously reported in individuals w ith cardiomyopathy, but has been identified in 1/46846 European chromosomes by t he Exome Aggregation Consortium (ExAC). Computat ional prediction tools and conservation analysis do not provide strong evidence for or against an impact to the protein. In summary, the clinical significance o f the p.Ser53Arg variant is uncertain.